The following is an entry in ClinVar:

ClinVar aggregate classification (germline): Uncertain significance. Review status: criteria provided, single submitter (1 of 4 stars). 2 submissions from 2 submitters: Uncertain significance (1). 1 of the submissions does not count toward it. Last evaluated 2024-11-05.

Conditions:
Retinal dystrophy. Also called: Inherited retinal dystrophy. Identifiers: Orphanet 71862, MedGen C0854723, MeSH D058499, MONDO:0019118, HP:0000556.

Allele frequency attached by ClinVar (database versions not stated): TOPMed 0.00001; gnomAD 0.00002; gnomAD exomes 0.00002.

Submissions (2):

Labcorp Genetics (formerly Invitae), Labcorp
Classification: Uncertain significance. Last evaluated: 2024-11-05. Review status: criteria provided, single submitter. Criteria: Invitae Variant Classification Sherloc (09022015). Collection method: clinical testing. Allele origin: germline.
Comment: This sequence change replaces glycine, which is neutral and non-polar, with arginine, which is basic and polar, at codon 7 of the CACNA1F protein (p.Gly7Arg). This variant is present in population databases (no rsID available, gnomAD 0.004%). This variant has not been reported in the literature in individuals affected with CACNA1F-related conditions. ClinVar contains an entry for this variant (Variation ID: 1021860). An algorithm developed to predict the effect of missense changes on protein structure and function outputs the following: PolyPhen-2: "Benign". The arginine amino acid residue is found in multiple mammalian species, which suggests that this missense change does not adversely affect protein function. In summary, the available evidence is currently insufficient to determine the role of this variant in disease. Therefore, it has been classified as a Variant of Uncertain Significance.

Institute of Human Genetics, Univ. Regensburg, Univ. Regensburg
Classification: Uncertain significance for Retinal dystrophy. Last evaluated: 2022-01-01. Review status: no assertion criteria provided. Criteria: ACMG Guidelines, 2015. Collection method: clinical testing. Allele origin: germline. Affected: yes. Not counted in ClinVar's aggregate classification.

NM_001256789.3(CACNA1F):c.19G>A (p.Gly7Arg)

Gene: CACNA1F (calcium voltage-gated channel subunit alpha1 F; minus strand). Cytogenetic location: Xp11.23.
Variant type: single nucleotide variant.
Coding change: c.19G>A on transcript NM_001256789.3 (MANE Select); coding-DNA position 19, G replaced by A.
Protein change: p.Gly7Arg; replaces glycine 7 with arginine.
Molecular consequence: missense variant.
Genome position (GRCh38, 1-based): chrX:49,233,291, C>T on the plus strand (G>A on the coding strand, the complement: CACNA1F is on the minus strand). VCF-style: chrX-49233291-C-T. GRCh37 (hg19) VCF-style: chrX-49089753-C-T.
Other names: c.19G>A, p.Gly7Arg (NM_001256790.3, NM_005183.4); short protein forms G7R.
Identifiers: ClinVar variation 1021860 (VCV001021860.7), dbSNP rs938364029, ClinGen allele CA329125822.